The following is an entry in ClinVar:

ClinVar aggregate classification (germline): Uncertain significance. Review status: criteria provided, multiple submitters, no conflicts (2 of 4 stars). 2 submissions from 2 submitters: Uncertain significance (2). Last evaluated 2024-11-26.

Conditions:
Regional enteritis. Also called: Enteritis, Granulomatous. Identifiers: MedGen C0678202, MeSH D003424.
Blau syndrome (BLAUS). Also called: ARTHROCUTANEOUVEAL GRANULOMATOSIS; GRANULOMATOSIS, FAMILIAL JUVENILE SYSTEMIC; GRANULOMATOSIS, FAMILIAL, BLAU TYPE; GRANULOMATOUS INFLAMMATORY ARTHRITIS, DERMATITIS, AND UVEITIS, FAMILIAL; JABS SYNDROME. Identifiers: Orphanet 90340, MedGen C5201146, MONDO:0008523, OMIM 186580.
Inflammatory bowel disease 1 (IBD1). Also called: Inflammatory bowel disease 1, Crohn disease; INFLAMMATORY BOWEL DISEASE (CROHN DISEASE) 1. Identifiers: MedGen CN260071, MONDO:0009960, OMIM 266600.

Submissions (2):

3billion
Classification: Uncertain significance for Inflammatory bowel disease 1. Last evaluated: 2024-11-26. Review status: criteria provided, single submitter. Criteria: ACMG Guidelines, 2015. Collection method: clinical testing. Allele origin: germline. Affected: yes.
Comment: The variant is not observed in the gnomAD v4.1.0 dataset. Predicted Consequence/Location: Missense variant. Missense changes are a common disease-causing mechanism. Damaging effect on gene or gene product predicted by in silico programs is uncertain [REVEL: 0.56 (damaging >=0.6, benign <0.4), 3Cnet: 0.09 (damaging >=0.6, benign <0.15)]. Therefore, this variant is classified as Uncertain Risk Allele according to the recommendation of ACMG/AMP guideline.

Labcorp Genetics (formerly Invitae), Labcorp
Classification: Uncertain significance for Regional enteritis; Blau syndrome. Last evaluated: 2024-09-12. Review status: criteria provided, single submitter. Criteria: Invitae Variant Classification Sherloc (09022015). Collection method: clinical testing. Allele origin: germline.
Comment: This sequence change replaces leucine, which is neutral and non-polar, with valine, which is neutral and non-polar, at codon 226 of the NOD2 protein (p.Leu226Val). This variant is not present in population databases (gnomAD no frequency). This variant has not been reported in the literature in individuals affected with NOD2-related conditions. Invitae Evidence Modeling of protein sequence and biophysical properties (such as structural, functional, and spatial information, amino acid conservation, physicochemical variation, residue mobility, and thermodynamic stability) indicates that this missense variant is expected to disrupt NOD2 protein function with a positive predictive value of 80%. In summary, the available evidence is currently insufficient to determine the role of this variant in disease. Therefore, it has been classified as a Variant of Uncertain Significance.

NM_001370466.1(NOD2):c.595C>G (p.Leu199Val)

Gene: NOD2 (nucleotide binding oligomerization domain containing 2; plus strand). Cytogenetic location: 16q12.1.
Variant type: single nucleotide variant.
Coding change: c.595C>G on transcript NM_001370466.1 (MANE Select); coding-DNA position 595, C replaced by G.
Protein change: p.Leu199Val; replaces leucine 199 with valine.
Molecular consequence: missense variant. On other transcripts: non-coding transcript variant (1).
Genome position (GRCh38, 1-based): chr16:50,710,587, C>G. VCF-style: chr16-50710587-C-G. GRCh37 (hg19) VCF-style: chr16-50744498-C-G.
Other names: c.595C>G, p.Leu199Val (NM_001293557.2); c.676C>G, p.Leu226Val (NM_022162.3); short protein forms L199V, L226V.
Identifiers: ClinVar variation 3754303 (VCV003754303.3).
Genomic context (GRCh38, chr16:50,710,587, plus strand): 5'-ACCTTCATCTGCCTCTTCTTCTGCCTTCCAGCTGCCACATGCAAGAAGTATATGGCCAAG[C>G]TGAGGACCACGGTGTCTGCTCAGTCTCGCTTCCTCAGTACCTATGATGGAGCAGAGACGC-3'
Protein context (NP_001357395.1, residues 189-209): AATCKKYMAK[Leu199Val]RTTVSAQSRF